The following is an entry in ClinVar:

NM_014336.5(AIPL1):c.*1018G>A

Gene: AIPL1 (AIP like 1 HSP90 co-chaperone; minus strand). Cytogenetic location: 17p13.2.
Variant type: single nucleotide variant.
Coding change: c.*1018G>A on transcript NM_014336.5 (MANE Select); 1018 bases downstream of the stop codon, G replaced by A.
Molecular consequence: 3 prime UTR variant.
Genome position (GRCh38, 1-based): chr17:6,424,442, C>T on the plus strand (G>A on the coding strand, the complement: AIPL1 is on the minus strand). VCF-style: chr17-6424442-C-T. GRCh37 (hg19) VCF-style: chr17-6327762-C-T.
Other names: c.*1018G>A (NM_001033054.3, NM_001033055.3, NM_001285399.3 and 3 more transcripts).
Identifiers: ClinVar variation 324585 (VCV000324585.7), dbSNP rs2871287, ClinGen allele CA10649827.

ClinVar aggregate classification (germline): Benign/Likely benign. Review status: criteria provided, multiple submitters, no conflicts (2 of 4 stars). 3 submissions from 2 submitters: Benign (2); Likely benign (1). Last evaluated 2018-01-13.

Conditions:
Retinitis pigmentosa (RP). Identifiers: Orphanet 791, MedGen C0035334, MeSH D012174, MONDO:0019200, OMIM 268000. Inheritance: Autosomal dominant, autosomal recessive and X linked inheritance.
Leber congenital amaurosis 4 (LCA4). Identifiers: MedGen C1858386, MONDO:0011458, OMIM 604393.

Allele frequency attached by ClinVar (database versions not stated): gnomAD 0.08814; 1000 Genomes Project 30x 0.09119; TOPMed 0.09213; 1000 Genomes Project 0.09245; gnomAD exomes 0.13333.

Submissions (3):

Illumina Laboratory Services, Illumina
Classification: Benign for Retinitis pigmentosa. Last evaluated: 2018-01-13. Review status: criteria provided, single submitter. Criteria: ICSL Variant Classification Criteria 13 December 2019. Collection method: clinical testing. Allele origin: germline.
Comment: This variant was observed in the ICSL laboratory as part of a predisposition screen in an ostensibly healthy population. It had not been previously curated by ICSL or reported in the Human Gene Mutation Database (HGMD: prior to June 1st, 2018), and was therefore a candidate for classification through an automated scoring system. Utilizing variant allele frequency, disease prevalence and penetrance estimates, and inheritance mode, an automated score was calculated to assess if this variant is too frequent to cause the disease. Based on the score and internal cut-off values, a variant classified as benign is not then subjected to further curation. The score for this variant resulted in a classification of benign for this disease.

Illumina Laboratory Services, Illumina
Classification: Benign for Leber congenital amaurosis 4. Last evaluated: 2018-01-13. Review status: criteria provided, single submitter. Criteria: ICSL Variant Classification Criteria 13 December 2019. Collection method: clinical testing. Allele origin: germline.
Comment: the same text as in the submission from Illumina Laboratory Services, Illumina above.

Breakthrough Genomics
Classification: Likely benign. Review status: criteria provided, single submitter. Criteria: ACMG Guidelines, 2015. Collection method: not provided. Allele origin: germline. Inheritance: Autosomal recessive inheritance. Affected: yes.